The following is an entry in ClinVar:

NM_001184880.2(PCDH19):c.1081_1094del (p.Ser361fs)

Gene: PCDH19 (protocadherin 19; minus strand). Cytogenetic location: Xq22.1.
Variant type: Deletion.
Coding change: c.1081_1094del on transcript NM_001184880.2 (MANE Select); coding-DNA positions 1081 to 1094, 14 bases deleted (AGCGCCCCCCCGGG).
Protein change: p.Ser361fs; shifts the reading frame from serine 361.
Molecular consequence: frameshift variant.
Genome position (GRCh38, 1-based): chrX:100,407,504-100,407,517, CCCGGGGGGGCGCT deleted on the plus strand (AGCGCCCCCCCGGG on the coding strand, the reverse complement: PCDH19 is on the minus strand); deleting any 14 consecutive bases within chrX:100,407,504-100,407,518 gives the same sequence; the c. name uses the placement nearest the transcript's 3' end. VCF-style (leftmost placement, unchanged base first): chrX-100407503-GCCCGGGGGGGCGCT-G. GRCh37 (hg19) VCF-style: chrX-99662501-GCCCGGGGGGGCGCT-G.
Other names: c.1081_1094del, p.Ser361fs (NM_001105243.2, NM_020766.3); short protein forms S361fs.
Identifiers: ClinVar variation 1027675 (VCV001027675.2), dbSNP rs1928409516, ClinGen allele CA2447976749.

ClinVar aggregate classification (germline): Pathogenic (1 of 4 stars; one submission).

Conditions:
Seizure. Also called: Seizures. Identifiers: MedGen C0036572, HP:0001250.

Submission:

Cytogénomique, Hospices Civils de Lyon
Classification: Pathogenic for Seizure. Last evaluated: 2021-03-19. Review status: criteria provided, single submitter. Criteria: ACMG Guidelines, 2015. Collection method: clinical testing. Allele origin: de novo. Inheritance: Sporadic. Affected: yes. Observed: 1 variant allele, 1 heterozygote.
Comment: de novo truncating variant absent from gnomAD